The following is an entry in ClinVar:

ClinVar aggregate classification (germline): Uncertain significance (1 of 4 stars; one submission).

Allele frequency attached by ClinVar (database versions not stated): gnomAD exomes 0.00001.
gnomAD v4.1: 9 of 1,613,514 alleles (0.00056%); highest among the groups gnomAD compares: Non-Finnish European, 0.00068%; no homozygotes.

Submission:

Genetic Services Laboratory, University of Chicago
Classification: Uncertain significance. Last evaluated: 2021-06-28. Review status: criteria provided, single submitter. Criteria: ACMG Guidelines, 2015. Collection method: clinical testing. Allele origin: germline. Affected: no.
Comment: DNA sequence analysis of the RAD51 gene demonstrated a sequence change, c.655C>T, in exon 8 that results in an amino acid change, p.Leu219Phe. This sequence change is absent in the gnomAD population database. This sequence change has been previously described in one individual with hereditary breast/ovarian cancer however no additional information regarding this variant was provided (PMID: 30306255). The p.Leu219Phe change affects highly conserved amino acid residue located in a domain of the RAD51 protein that is known to be functional. In-silico pathogenicity prediction tools (SIFT, PolyPhen2, Align GVGD, REVEL) provide contradictory results for the p.Leu219Phe substitution. Due to these contrasting evidences and the lack of functional studies, the clinical significance of the p.Leu219Phe change remains unknown at this time.

NM_002875.5(RAD51):c.655C>T (p.Leu219Phe)

Gene: RAD51 (RAD51 recombinase; plus strand). Cytogenetic location: 15q15.1.
Variant type: single nucleotide variant.
Coding change: c.655C>T on transcript NM_002875.5 (MANE Select); coding-DNA position 655, C replaced by T.
Protein change: p.Leu219Phe; replaces leucine 219 with phenylalanine.
Molecular consequence: missense variant.
Genome position (GRCh38, 1-based): chr15:40,729,515, C>T. VCF-style: chr15-40729515-C-T. GRCh37 (hg19) VCF-style: chr15-41021713-C-T.
Other names: c.658C>T, p.Leu220Phe (NM_001164269.2, NM_133487.4); c.655C>T, p.Leu219Phe (NM_001164270.2); short protein forms L219F, L220F.
Identifiers: ClinVar variation 1337996 (VCV001337996.4), dbSNP rs2141882131, ClinGen allele CA391758486.